The following is an entry in ClinVar:

NM_001099271.2(POC5):c.65C>T (p.Ser22Phe)

Gene: POC5 (POC5 centriolar protein; minus strand). Cytogenetic location: 5q13.3.
Variant type: single nucleotide variant.
Coding change: c.65C>T on transcript NM_001099271.2 (MANE Select); coding-DNA position 65, C replaced by T.
Protein change: p.Ser22Phe; replaces serine 22 with phenylalanine.
Molecular consequence: missense variant.
Genome position (GRCh38, 1-based): chr5:75,712,873, G>A on the plus strand (C>T on the coding strand, the complement: POC5 is on the minus strand). VCF-style: chr5-75712873-G-A. GRCh37 (hg19) VCF-style: chr5-75008698-G-A.
Other names: short protein forms S22F.
Identifiers: ClinVar variation 1978166 (VCV001978166.5), dbSNP rs2478984241, ClinGen allele CA360151716.

ClinVar aggregate classification (germline): Uncertain significance (1 of 4 stars; one submission).

Submission:

Labcorp Genetics (formerly Invitae), Labcorp
Classification: Uncertain significance. Last evaluated: 2025-05-05. Review status: criteria provided, single submitter. Criteria: Invitae Variant Classification Sherloc (09022015). Collection method: clinical testing. Allele origin: germline.
Comment: This sequence change replaces serine, which is neutral and polar, with phenylalanine, which is neutral and non-polar, at codon 22 of the POC5 protein (p.Ser22Phe). This variant is not present in population databases (gnomAD no frequency). This variant has not been reported in the literature in individuals affected with POC5-related conditions. ClinVar contains an entry for this variant (Variation ID: 1978166). An algorithm developed to predict the effect of missense changes on protein structure and function (PolyPhen-2) suggests that this variant is likely to be tolerated. In summary, the available evidence is currently insufficient to determine the role of this variant in disease. Therefore, it has been classified as a Variant of Uncertain Significance.